The following is an entry in ClinVar:

NM_014714.4(IFT140):c.1500_1503del (p.Asn500fs)

Genes: IFT140 (intraflagellar transport 140; minus strand), LOC105371046 (uncharacterized LOC105371046; plus strand). Cytogenetic location: 16p13.3.
Variant type: Deletion.
Coding change: c.1500_1503del on transcript NM_014714.4 (MANE Select); coding-DNA positions 1500 to 1503, 4 bases deleted (CCGA; older notation c.1500_1503delCCGA).
Protein change: p.Asn500fs; shifts the reading frame from asparagine 500.
Molecular consequence: frameshift variant.
Genome position (GRCh38, 1-based): chr16:1,580,780-1,580,783, TCGG deleted on the plus strand (CCGA on the coding strand, the reverse complement: IFT140 is on the minus strand); deleting any 4 consecutive bases within chr16:1,580,780-1,580,784 gives the same sequence; the c. name uses the placement nearest the transcript's 3' end. VCF-style (leftmost placement, unchanged base first): chr16-1580779-CTCGG-C. GRCh37 (hg19) VCF-style: chr16-1630780-CTCGG-C.
Other names: short protein forms N500fs.
Identifiers: ClinVar variation 2631767 (VCV002631767.1), dbSNP rs2507642161, ClinGen allele CA2695197404.

ClinVar aggregate classification (germline): Likely pathogenic (1 of 4 stars; one submission).

Conditions:
IFT140-related disorder. Also called: IFT140-related condition.

Submission:

PreventionGenetics, part of Exact Sciences
Classification: Likely pathogenic for IFT140-related condition. Last evaluated: 2023-07-14. Review status: criteria provided, single submitter. Criteria: ACMG Guidelines, 2015. Collection method: clinical testing. Allele origin: germline.
Comment: The IFT140 c.1500_1503delCCGA variant is predicted to result in a frameshift and premature protein termination (p.Asn500Lysfs*36). To our knowledge, this variant has not been reported in the literature or in a large population database, indicating this variant is rare. Frameshift variants in IFT140 are expected to be pathogenic. This variant is interpreted as likely pathogenic.